The following is an entry in ClinVar:

NM_000270.4(PNP):c.12-18A>T

Gene: PNP (purine nucleoside phosphorylase; plus strand). Cytogenetic location: 14q11.2.
Variant type: single nucleotide variant.
Coding change: c.12-18A>T on transcript NM_000270.4 (MANE Select); 18 bases into the intron before coding-DNA position 12, A replaced by T.
Molecular consequence: intron variant.
Genome position (GRCh38, 1-based): chr14:20,472,290, A>T. VCF-style: chr14-20472290-A-T. GRCh37 (hg19) VCF-style: chr14-20940449-A-T.
Identifiers: ClinVar variation 138728 (VCV000138728.11), dbSNP rs117497269, ClinGen allele CA292806.

ClinVar aggregate classification (germline): Benign. Review status: criteria provided, multiple submitters, no conflicts (2 of 4 stars). 3 submissions from 3 submitters: Benign (3). Last evaluated 2026-02-04.

Conditions:
Purine-nucleoside phosphorylase deficiency. Also called: Immunodeficiency due to purine nucleoside phosphorylase deficiency; NUCLEOSIDE PHOSPHORYLASE DEFICIENCY. Identifiers: Orphanet 760, MedGen C0268125, MONDO:0013171, OMIM 613179.

Allele frequency attached by ClinVar (database versions not stated): ESP Exome Variant Server 0.00308; gnomAD 0.00314 and 0.00370; TOPMed 0.00314; gnomAD exomes 0.00521 and 0.00555; 1000 Genomes Project 30x 0.00578; 1000 Genomes Project 0.00579; ExAC 0.00582.
gnomAD v4.1: 8,143 of 1,610,304 alleles (0.51%); highest among the groups gnomAD compares: South Asian, 1.9%; 72 homozygotes.

Submissions (3):

Labcorp Genetics (formerly Invitae), Labcorp
Classification: Benign for Purine-nucleoside phosphorylase deficiency. Last evaluated: 2026-02-04. Review status: criteria provided, single submitter. Criteria: Invitae Variant Classification Sherloc (09022015). Collection method: clinical testing. Allele origin: germline.

GeneDx
Classification: Benign. Last evaluated: 2013-01-31. Review status: criteria provided, single submitter. Criteria: GeneDx Variant Classification (06012015). Collection method: clinical testing. Allele origin: germline. Affected: yes.
Comment: This variant is considered likely benign or benign based on one or more of the following criteria: it is a conservative change, it occurs at a poorly conserved position in the protein, it is predicted to be benign by multiple in silico algorithms, and/or has population frequency not consistent with disease.

Breakthrough Genomics
Classification: Benign. Review status: criteria provided, single submitter. Criteria: ACMG Guidelines, 2015. Collection method: not provided. Allele origin: germline. Inheritance: Autosomal recessive inheritance. Affected: yes.